The following is an entry in ClinVar:

NM_001004334.4(GPR179):c.6122C>G (p.Ser2041Cys)

Gene: GPR179 (G protein-coupled receptor 179; minus strand). Cytogenetic location: 17q12.
Variant type: single nucleotide variant.
Coding change: c.6122C>G on transcript NM_001004334.4 (MANE Select); coding-DNA position 6122, C replaced by G.
Protein change: p.Ser2041Cys; replaces serine 2041 with cysteine.
Molecular consequence: missense variant.
Genome position (GRCh38, 1-based): chr17:38,327,447, G>C on the plus strand (C>G on the coding strand, the complement: GPR179 is on the minus strand). VCF-style: chr17-38327447-G-C. GRCh37 (hg19) VCF-style: chr17-36483330-G-C.
Other names: short protein forms S2041C.
Identifiers: ClinVar variation 2056563 (VCV002056563.4), dbSNP rs2512156381, ClinGen allele CA398870138.

ClinVar aggregate classification (germline): Uncertain significance (1 of 4 stars; one submission).

Submission:

Labcorp Genetics (formerly Invitae), Labcorp
Classification: Uncertain significance. Last evaluated: 2025-12-15. Review status: criteria provided, single submitter. Criteria: Invitae Variant Classification Sherloc (09022015). Collection method: clinical testing. Allele origin: germline.
Comment: This sequence change replaces serine, which is neutral and polar, with cysteine, which is neutral and slightly polar, at codon 2041 of the GPR179 protein (p.Ser2041Cys). This variant is not present in population databases (gnomAD no frequency). This variant has not been reported in the literature in individuals affected with GPR179-related conditions. ClinVar contains an entry for this variant (Variation ID: 2056563). An algorithm developed to predict the effect of missense changes on protein structure and function (PolyPhen-2) suggests that this variant is likely to be disruptive. In summary, the available evidence is currently insufficient to determine the role of this variant in disease. Therefore, it has been classified as a Variant of Uncertain Significance.